The following is an entry in ClinVar:

NM_004958.4(MTOR):c.4447T>C (p.Cys1483Arg)

Gene: MTOR (mechanistic target of rapamycin kinase; minus strand). Cytogenetic location: 1p36.22.
Variant type: single nucleotide variant.
Coding change: c.4447T>C on transcript NM_004958.4 (MANE Select); coding-DNA position 4447, T replaced by C.
Protein change: p.Cys1483Arg; replaces cysteine 1483 with arginine.
Molecular consequence: missense variant.
Genome position (GRCh38, 1-based): chr1:11,157,174, A>G on the plus strand (T>C on the coding strand, the complement: MTOR is on the minus strand). VCF-style: chr1-11157174-A-G. GRCh37 (hg19) VCF-style: chr1-11217231-A-G.
Other names: NM_004958.3(MTOR):c.4447T>C; p.Cys1483Arg; c.4447T>C (LRG_734t1); short protein forms C1483R.
Identifiers: ClinVar variation 374796 (VCV000374796.7), dbSNP rs1057519914, ClinGen allele CA16602264.

ClinVar aggregate classification (germline): Pathogenic. Review status: reviewed by expert panel (3 of 4 stars). 2 submissions from 2 submitters: Pathogenic (1). 1 of the submissions does not count toward it. Last evaluated 2022-02-11.

Conditions:
Hemimegalencephaly. Also called: Unilateral Megalencephaly. Identifiers: Orphanet 99802, MedGen C0431391, MONDO:0020492, HP:0007206.
Overgrowth syndrome and/or cerebral malformations due to abnormalities in MTOR pathway genes. Identifiers: MedGen CN300503, MONDO:0100283.

Submissions (2):

ClinGen Brain Malformations Variant Curation Expert Panel
Classification: Pathogenic for Overgrowth syndrome and/or cerebral malformations due to abnormalities in MTOR pathway genes. Last evaluated: 2022-02-11. Review status: reviewed by expert panel. Criteria: ClinGen BrainMalform ACMG Specifications v1. Collection method: curation. Allele origin: germline. Inheritance: Autosomal dominant inheritance.
Comment: The c.4447T>C (NM_004958.4) variant in MTOR is a missense variant predicted to cause substitution of (p.Cys1483Arg). This variant is absent from gnomAD v2.1.1 (PM2_Supporting). MTOR, in which the variant was identified, is defined by the ClinGen Brain Malformations Expert Panel as a gene that has a low rate of benign missense variation and where pathogenic missense variants are a common mechanism of disease (PP2). This variant resides within the kinase domain of MTOR that is defined as a critical functional domain by the ClinGen BMEP (PMIDs: 23322780, 27482884, 21210909) (PM1_Supporting). This variant has been shown to significantly increase phosphorylation levels in experiments with case and control cells of similar isogenic backgrounds indicating that this variant impacts protein function (PMIDs: 25799227, 24631838) (PS3_Supporting). The prevalence of the variant in affected individuals is significantly increased compared with the prevalence in controls (PS4; PMIDs: 28864461, 25799227; identified in 2 individuals with neuropathology confirmatory of a malformation of cortical development, 1 individual with neuroimaging demonstrating at least one large cerebral hemisphere with cortical malformation(s), 3 tumor samples in the literature and COSMIC ). Testing of unaffected and affected tissue show variable allelic fractions consistent with a post-zygotic event (PS2_Moderate; PMID: 25799227). In summary, this variant meets the criteria to be classified as Pathogenic for mosaic autosomal dominant overgrowth with or without cerebral malformations due to abnormalities in MTOR-pathway genes based on the ACMG/AMP criteria applied, as specified by the ClinGen Brain Malformations Expert Panel: PM2_P, PP2, PM1_P, PS3_P, PS4, PS2_M; 10 points (VCEP specifications version 1; Approved: 1/31/2021)

Heinzen Lab, Columbia University
Classification: Pathogenic for Hemimegalencephaly. Review status: no assertion criteria provided. Collection method: research. Allele origin: somatic. Inheritance: Somatic mutation. Affected: yes. Observed: 1 variant allele, 1 heterozygote. Not counted in ClinVar's aggregate classification.

Literature cited by the submitters: PubMed 29281825 (cited by ClinGen Brain Malformations Variant Curation Expert Panel); PubMed 28864461 (cited by ClinGen Brain Malformations Variant Curation Expert Panel); PubMed 24631838 (cited by ClinGen Brain Malformations Variant Curation Expert Panel); PubMed 25799227 (cited by ClinGen Brain Malformations Variant Curation Expert Panel).